The following is an entry in ClinVar:

NM_007194.4(CHEK2):c.-10C>T

Gene: CHEK2 (checkpoint kinase 2; minus strand). Cytogenetic location: 22q12.1.
Variant type: single nucleotide variant.
Coding change: c.-10C>T on transcript NM_007194.4 (MANE Select); 10 bases upstream of the start codon, C replaced by T.
Molecular consequence: 5 prime UTR variant.
Genome position (GRCh38, 1-based): chr22:28,741,772, G>A on the plus strand (C>T on the coding strand, the complement: CHEK2 is on the minus strand). VCF-style: chr22-28741772-G-A. GRCh37 (hg19) VCF-style: chr22-29137760-G-A.
Other names: c.-10C>T (NM_001005735.3, NM_001349956.3, NM_145862.3); c.-787C>T (NM_001257387.3).
Identifiers: ClinVar variation 182443 (VCV000182443.2), dbSNP rs730881693, ClinGen allele CA299098.

ClinVar aggregate classification (germline): Uncertain significance (1 of 4 stars; one submission).

Allele frequency attached by ClinVar (database versions not stated): gnomAD 0.00001; gnomAD exomes below 0.00001; TOPMed 0.00001.
gnomAD v4.1: 3 of 439,746 alleles (0.00068%); highest among the groups gnomAD compares: Admixed American, 0.0077%; no homozygotes.

Submission:

GeneDx
Classification: Uncertain significance. Last evaluated: 2017-03-27. Review status: criteria provided, single submitter. Criteria: GeneDx Variant Classification (06012015). Collection method: clinical testing. Allele origin: germline. Affected: yes.
Comment: This variant is denoted CHEK2 c.-10C>T and describes a nucleotide substitution 10 base pairs upstream of the ATG translational start site in the 5' untranslated region (UTR). The surrounding sequence, with the base that is substituted in brackets, is CTCA[C/T]GCGG. This variant has not, to our knowledge, been published in the literature as pathogenic or benign. CHEK2 c.-10C>T does not appear to affect the Kozak translational consensus sequence; however, a new ATG is created upstream of the natural ATG. This variant, therefore, may impact protein translation; however, in the absence of protein or functional studies, the actual effect of this variant is unknown. CHEK2 c.-10C>T occurs at a position that is not conserved and was not observed in large population cohorts; however, limited data are available (NHLBI Exome Sequencing Project, The 1000 Genomes Consortium 2015, Lek 2016). Based on currently available information, it is unclear whether CHEK2 c.-10C>T is pathogenic or benign. We consider it to be a variant of uncertain significance.